The following is an entry in ClinVar:

ClinVar aggregate classification (germline): Uncertain significance (1 of 4 stars; one submission).

Submission:

CeGaT Center for Human Genetics Tuebingen
Classification: Uncertain significance. Last evaluated: 2024-02-01. Review status: criteria provided, single submitter. Criteria: CeGaT Center For Human Genetics Tuebingen Variant Classification Criteria Version 2. Collection method: clinical testing. Allele origin: germline. Affected: yes. Observed: 1 variant allele.
Comment: MYOF: PM2

NM_013451.4(MYOF):c.6059T>C (p.Val2020Ala)

Gene: MYOF (myoferlin; minus strand). Cytogenetic location: 10q23.33.
Variant type: single nucleotide variant.
Coding change: c.6059T>C on transcript NM_013451.4 (MANE Select); coding-DNA position 6059, T replaced by C.
Protein change: p.Val2020Ala; replaces valine 2020 with alanine.
Molecular consequence: missense variant.
Genome position (GRCh38, 1-based): chr10:93,310,108, A>G on the plus strand (T>C on the coding strand, the complement: MYOF is on the minus strand). VCF-style: chr10-93310108-A-G. GRCh37 (hg19) VCF-style: chr10-95069865-A-G.
Other names: c.6020T>C, p.Val2007Ala (NM_133337.3); short protein forms V2007A, V2020A.
Identifiers: ClinVar variation 3026407 (VCV003026407.22), dbSNP rs2492594737, ClinGen allele CA377600077.
Genomic context (GRCh38, chr10:93,310,108, plus strand): 5'-AAGAGCAGCAGGATAAGCAGGAACAGCAAGCCGATGATGACCCACTTAAAGCGGCGCCAC[A>G]CGATGAACTTCATGGTCTTGCATGGGTTGGTGAACCAGAGGAAGGAGGTTTCTGGTCGAC-3'
Protein context (NP_038479.1, residues 2010-2030): TNPCKTMKFI[Val2020Ala]WRRFKWVIIG